The following is an entry in ClinVar:

ClinVar aggregate classification (germline): Uncertain significance. Review status: criteria provided, multiple submitters, no conflicts (2 of 4 stars). 3 submissions from 3 submitters: Uncertain significance (3). Last evaluated 2025-05-30.

Conditions:
Age related macular degeneration 1 (ARMD1). Also called: MACULOPATHY, AGE-RELATED, 1. Identifiers: MedGen C1864205, MONDO:0011285, OMIM 603075.

Allele frequency attached by ClinVar (database versions not stated): TOPMed 0.00001; gnomAD 0.00002.
gnomAD v4.1: 21 of 1,613,950 alleles (0.0013%); highest among the groups gnomAD compares: African/African-American, 0.0027%; no homozygotes.

Submissions (3):

Ambry Genetics
Classification: Uncertain significance. Last evaluated: 2025-05-30. Review status: criteria provided, single submitter. Criteria: Ambry Variant Classification Scheme 2023. Collection method: clinical testing. Allele origin: germline.

Genome-Nilou Lab
Classification: Uncertain significance for Age related macular degeneration 1. Last evaluated: 2023-04-11. Review status: criteria provided, single submitter. Criteria: ACMG Guidelines, 2015. Collection method: clinical testing. Allele origin: germline. Affected: no.

Labcorp Genetics (formerly Invitae), Labcorp
Classification: Uncertain significance. Last evaluated: 2022-05-27. Review status: criteria provided, single submitter. Criteria: Invitae Variant Classification Sherloc (09022015). Collection method: clinical testing. Allele origin: germline.
Comment: In summary, the available evidence is currently insufficient to determine the role of this variant in disease. Therefore, it has been classified as a Variant of Uncertain Significance. Algorithms developed to predict the effect of missense changes on protein structure and function output the following: SIFT: "Deleterious"; PolyPhen-2: "Probably Damaging"; Align-GVGD: "Class C0". The asparagine amino acid residue is found in multiple mammalian species, which suggests that this missense change does not adversely affect protein function. This variant has not been reported in the literature in individuals affected with HMCN1-related conditions. This variant is present in population databases (no rsID available, gnomAD 0.002%). This sequence change replaces serine, which is neutral and polar, with asparagine, which is neutral and polar, at codon 4710 of the HMCN1 protein (p.Ser4710Asn).

NM_031935.3(HMCN1):c.14129G>A (p.Ser4710Asn)

Gene: HMCN1 (hemicentin 1; plus strand). Cytogenetic location: 1q31.1.
Variant type: single nucleotide variant.
Coding change: c.14129G>A on transcript NM_031935.3 (MANE Select); coding-DNA position 14129, G replaced by A.
Protein change: p.Ser4710Asn; replaces serine 4710 with asparagine.
Molecular consequence: missense variant.
Genome position (GRCh38, 1-based): chr1:186,144,566, G>A. VCF-style: chr1-186144566-G-A. GRCh37 (hg19) VCF-style: chr1-186113698-G-A.
Other names: c.14129G>A (NM_031935.2); short protein forms S4710N.
Identifiers: ClinVar variation 1927897 (VCV001927897.9), dbSNP rs769580412, ClinGen allele CA33475774.